The following is an entry in ClinVar:

NM_021619.3(PRDM12):c.607G>A (p.Gly203Arg)

Gene: PRDM12 (PR/SET domain 12; plus strand). Cytogenetic location: 9q34.12.
Variant type: single nucleotide variant.
Coding change: c.607G>A on transcript NM_021619.3 (MANE Select); coding-DNA position 607, G replaced by A.
Protein change: p.Gly203Arg; replaces glycine 203 with arginine.
Molecular consequence: missense variant.
Genome position (GRCh38, 1-based): chr9:130,678,565, G>A. VCF-style: chr9-130678565-G-A. GRCh37 (hg19) VCF-style: chr9-133553952-G-A.
Other names: short protein forms G203R.
Identifiers: ClinVar variation 582663 (VCV000582663.17), dbSNP rs375887892, ClinGen allele CA5284604.
Genomic context (GRCh38, chr9:130,678,565, plus strand): 5'-CTCCTCTTGCCTTCTTCCCTGCAGATGATCCCACCTGACCAGGAACTGCTGGTGTGGTAC[G>A]GAAACTCACACAACACCTTCCTGGGGATCCCAGGTGTGCCCGGGCTAGAGGAGGACCAGA-3'
Protein context (NP_067632.2, residues 193-213): PPDQELLVWY[Gly203Arg]NSHNTFLGIP

ClinVar aggregate classification (germline): Conflicting classifications of pathogenicity. Review status: criteria provided, conflicting classifications (1 of 4 stars). 4 submissions from 4 submitters: Uncertain significance (3); Benign (1). Last evaluated 2025-11-23.

Conditions:
Congenital insensitivity to pain-hypohidrosis syndrome. Also called: Neuropathy, hereditary sensory and autonomic, type VIII; HSAN VIII. Identifiers: Orphanet 478664, MedGen C4225308, MONDO:0014662, OMIM 616488.
Inborn genetic diseases. Identifiers: MedGen C0950123, MeSH D030342.

Allele frequency attached by ClinVar (database versions not stated): gnomAD 0.00005 and 0.00011; TOPMed 0.00005; gnomAD exomes 0.00006 and 0.00017; ExAC 0.00017; 1000 Genomes Project 30x 0.00094; 1000 Genomes Project 0.00120.
gnomAD v4.1: 124 of 1,613,622 alleles (0.0077%); highest among the groups gnomAD compares: East Asian, 0.087%; no homozygotes.

Submissions (4):

Labcorp Genetics (formerly Invitae), Labcorp
Classification: Benign for Congenital insensitivity to pain-hypohidrosis syndrome. Last evaluated: 2025-11-23. Review status: criteria provided, single submitter. Criteria: Invitae Variant Classification Sherloc (09022015). Collection method: clinical testing. Allele origin: germline.

Ambry Genetics
Classification: Uncertain significance for Inborn genetic diseases. Last evaluated: 2025-08-04. Review status: criteria provided, single submitter. Criteria: Ambry Variant Classification Scheme 2023. Collection method: clinical testing. Allele origin: germline.

GeneDx
Classification: Uncertain significance. Last evaluated: 2025-04-10. Review status: criteria provided, single submitter. Criteria: GeneDx Variant Classification Process June 2021. Collection method: clinical testing. Allele origin: germline. Affected: yes.
Comment: In silico analysis supports that this missense variant has a deleterious effect on protein structure/function; Has not been previously published as pathogenic or benign to our knowledge

Blueprint Genetics
Classification: Uncertain significance. Last evaluated: 2024-01-23. Review status: criteria provided, single submitter. Criteria: ACMG Guidelines, 2015. Collection method: clinical testing. Allele origin: germline.